The following is an entry in ClinVar:

NM_020719.3(PRR12):c.4165G>A (p.Ala1389Thr)

Gene: PRR12 (proline rich 12; plus strand). Cytogenetic location: 19q13.33.
Variant type: single nucleotide variant.
Coding change: c.4165G>A on transcript NM_020719.3 (MANE Select); coding-DNA position 4165, G replaced by A.
Protein change: p.Ala1389Thr; replaces alanine 1389 with threonine.
Molecular consequence: missense variant.
Genome position (GRCh38, 1-based): chr19:49,599,758, G>A. VCF-style: chr19-49599758-G-A. GRCh37 (hg19) VCF-style: chr19-50103015-G-A.
Other names: short protein forms A1389T.
Identifiers: ClinVar variation 1810491 (VCV001810491.1), dbSNP rs759563131, ClinGen allele CA9578420.

ClinVar aggregate classification (germline): Uncertain significance (1 of 4 stars; one submission).

Allele frequency attached by ClinVar (database versions not stated): ExAC 0.00001; gnomAD 0.00001; gnomAD exomes 0.00001.

Submission:

GeneDx
Classification: Uncertain significance. Last evaluated: 2022-07-06. Review status: criteria provided, single submitter. Criteria: GeneDx Variant Classification Process June 2021. Collection method: clinical testing. Allele origin: germline. Affected: yes.
Comment: In silico analysis supports that this missense variant does not alter protein structure/function; Has not been previously published as pathogenic or benign to our knowledge